The following is an entry in ClinVar:

ClinVar aggregate classification (germline): Uncertain significance (1 of 4 stars; one submission).

gnomAD v4.1: 1 of 1,553,394 alleles (0.000064%); no homozygotes.

Submission:

Labcorp Genetics (formerly Invitae), Labcorp
Classification: Uncertain significance. Last evaluated: 2025-02-13. Review status: criteria provided, single submitter. Criteria: Invitae Variant Classification Sherloc (09022015). Collection method: clinical testing. Allele origin: germline.
Comment: This sequence change replaces proline, which is neutral and non-polar, with arginine, which is basic and polar, at codon 26 of the MYH14 protein (p.Pro26Arg). This variant is not present in population databases (gnomAD no frequency). This variant has not been reported in the literature in individuals affected with MYH14-related conditions. Invitae Evidence Modeling of protein sequence and biophysical properties (such as structural, functional, and spatial information, amino acid conservation, physicochemical variation, residue mobility, and thermodynamic stability) indicates that this missense variant is not expected to disrupt MYH14 protein function with a negative predictive value of 80%. In summary, the available evidence is currently insufficient to determine the role of this variant in disease. Therefore, it has been classified as a Variant of Uncertain Significance.

NM_001145809.2(MYH14):c.77C>G (p.Pro26Arg)

Gene: MYH14 (myosin heavy chain 14; plus strand). Cytogenetic location: 19q13.33.
Variant type: single nucleotide variant.
Coding change: c.77C>G on transcript NM_001145809.2 (MANE Select); coding-DNA position 77, C replaced by G.
Protein change: p.Pro26Arg; replaces proline 26 with arginine.
Molecular consequence: missense variant.
Genome position (GRCh38, 1-based): chr19:50,210,442, C>G. VCF-style: chr19-50210442-C-G. GRCh37 (hg19) VCF-style: chr19-50713699-C-G.
Other names: c.77C>G, p.Pro26Arg (NM_001077186.2, NM_024729.4); short protein forms P26R.
Identifiers: ClinVar variation 4709415 (VCV004709415.1).